The following is an entry in ClinVar:

ClinVar aggregate classification (germline): Conflicting classifications of pathogenicity. Review status: criteria provided, conflicting classifications (1 of 4 stars). 4 submissions from 4 submitters: Uncertain significance (2); Benign (1). 1 of the submissions does not count toward it. Last evaluated 2026-07-31.

Conditions:
Primary ciliary dyskinesia. Also called: Ciliary dyskinesia. Identifiers: Orphanet 244, MedGen C0008780, MONDO:0016575, HP:0012265.
Primary ciliary dyskinesia 9. Also called: CILIARY DYSKINESIA, PRIMARY, 9, WITH OR WITHOUT SITUS INVERSUS. Identifiers: Orphanet 244, MedGen C2676235, MONDO:0012906, OMIM 612444.

Allele frequency attached by ClinVar (database versions not stated): ExAC 0.00008; gnomAD 0.00003; TOPMed 0.00018; gnomAD exomes 0.00006 and 0.00014.
gnomAD v4.1: 42 of 1,613,222 alleles (0.0026%); highest among the groups gnomAD compares: Admixed American, 0.067%; 1 homozygote.

Submissions (4):

Ambry Genetics
Classification: Benign for Primary ciliary dyskinesia. Last evaluated: 2026-07-31. Review status: criteria provided, single submitter. Criteria: Ambry Variant Classification Scheme 2023. Collection method: clinical testing. Allele origin: germline.

Labcorp Genetics (formerly Invitae), Labcorp
Classification: Uncertain significance for Primary ciliary dyskinesia. Last evaluated: 2022-08-22. Review status: criteria provided, single submitter. Criteria: Invitae Variant Classification Sherloc (09022015). Collection method: clinical testing. Allele origin: germline.
Comment: This sequence change falls in intron 7 of the DNAI2 gene. It does not directly change the encoded amino acid sequence of the DNAI2 protein. It affects a nucleotide within the consensus splice site. This variant is present in population databases (rs773061334, gnomAD 0.09%). This variant has not been reported in the literature in individuals affected with DNAI2-related conditions. ClinVar contains an entry for this variant (Variation ID: 325014). Variants that disrupt the consensus splice site are a relatively common cause of aberrant splicing (PMID: 17576681, 9536098). Algorithms developed to predict the effect of sequence changes on RNA splicing suggest that this variant is not likely to affect RNA splicing. In summary, the available evidence is currently insufficient to determine the role of this variant in disease. Therefore, it has been classified as a Variant of Uncertain Significance.

Illumina Laboratory Services, Illumina
Classification: Uncertain significance for Primary ciliary dyskinesia 9. Last evaluated: 2018-01-13. Review status: criteria provided, single submitter. Criteria: ICSL Variant Classification Criteria 13 December 2019. Collection method: clinical testing. Allele origin: germline.

Natera, Inc.
Classification: Uncertain significance for Primary ciliary dyskinesia. Last evaluated: 2020-03-17. Review status: no assertion criteria provided. Collection method: clinical testing. Allele origin: germline. Not counted in ClinVar's aggregate classification.

Literature cited by the submitters: PubMed 17576681 (cited by Labcorp Genetics (formerly Invitae), Labcorp); PubMed 9536098 (cited by Labcorp Genetics (formerly Invitae), Labcorp).

NM_023036.6(DNAI2):c.864+4C>T

Gene: DNAI2 (dynein axonemal intermediate chain 2; plus strand). Cytogenetic location: 17q25.1.
Variant type: single nucleotide variant.
Coding change: c.864+4C>T on transcript NM_023036.6 (MANE Select); 4 bases into the intron after coding-DNA position 864, C replaced by T.
Molecular consequence: intron variant.
Genome position (GRCh38, 1-based): chr17:74,299,861, C>T. VCF-style: chr17-74299861-C-T. GRCh37 (hg19) VCF-style: chr17-72296000-C-T.
Other names: c.864+4C>T (NM_001353167.2, NM_001172810.3).
Identifiers: ClinVar variation 325014 (VCV000325014.10), dbSNP rs773061334, ClinGen allele CA8745512.